The following is an entry in ClinVar:

NC_000005.9:g.(?_151239326)_(151239589_?)del

Gene: GLRA1 (glycine receptor alpha 1; minus strand). Cytogenetic location: 5q33.1.
Variant type: Deletion.
Identifiers: ClinVar variation 1076338 (VCV001076338.5).

ClinVar aggregate classification (germline): Pathogenic (1 of 4 stars; one submission).

Conditions:
Hereditary hyperekplexia. Identifiers: Orphanet 3197, MedGen C4084968, MONDO:0021022.

Submission:

Labcorp Genetics (formerly Invitae), Labcorp
Classification: Pathogenic for Hereditary hyperekplexia. Last evaluated: 2021-03-03. Review status: criteria provided, single submitter. Criteria: Invitae Variant Classification Sherloc (09022015). Collection method: clinical testing. Allele origin: germline.
Comment: For these reasons, this variant has been classified as Pathogenic. Loss-of-function variants in GLRA1 are known to be pathogenic (PMID: 20631190, 24108130). This variant has not been reported in the literature in individuals with GLRA1-related conditions. This variant is an out-of-frame deletion of the genomic region encompassing exon 4 of the GLRA1 gene. This is expected to create a premature translational stop signal and result in an absent or disrupted protein product.

Literature cited by the submitters: PubMed 20631190; PubMed 24108130.